The following is an entry in ClinVar:

NM_006231.4(POLE):c.3795+6G>A

Gene: POLE (DNA polymerase epsilon, catalytic subunit; minus strand). Cytogenetic location: 12q24.33.
Variant type: single nucleotide variant.
Coding change: c.3795+6G>A on transcript NM_006231.4 (MANE Select); 6 bases into the intron after coding-DNA position 3795, G replaced by A.
Molecular consequence: intron variant.
Genome position (GRCh38, 1-based): chr12:132,649,671, C>T on the plus strand (G>A on the coding strand, the complement: POLE is on the minus strand). VCF-style: chr12-132649671-C-T. GRCh37 (hg19) VCF-style: chr12-133226257-C-T.
Identifiers: ClinVar variation 2803179 (VCV002803179.3), dbSNP rs749508299, ClinGen allele CA2739277426.

ClinVar aggregate classification (germline): Uncertain significance (1 of 4 stars; one submission).

Submission:

Labcorp Genetics (formerly Invitae), Labcorp
Classification: Uncertain significance. Last evaluated: 2025-07-13. Review status: criteria provided, single submitter. Criteria: Invitae Variant Classification Sherloc (09022015). Collection method: clinical testing. Allele origin: germline.
Comment: This sequence change falls in intron 30 of the POLE gene. It does not directly change the encoded amino acid sequence of the POLE protein. It affects a nucleotide within the consensus splice site. This variant is not present in population databases (gnomAD no frequency). This variant has not been reported in the literature in individuals affected with POLE-related conditions. ClinVar contains an entry for this variant (Variation ID: 2803179). Variants that disrupt the consensus splice site are a relatively common cause of aberrant splicing (PMID: 17576681, 9536098). Algorithms developed to predict the effect of sequence changes on RNA splicing suggest that this variant is not likely to affect RNA splicing. In summary, the available evidence is currently insufficient to determine the role of this variant in disease. Therefore, it has been classified as a Variant of Uncertain Significance.

Literature cited by the submitters: PubMed 17576681; PubMed 9536098.